The following is an entry in ClinVar:

NM_017780.4(CHD7):c.7184C>G (p.Ser2395Cys)

Gene: CHD7 (chromodomain helicase DNA binding protein 7; plus strand). Cytogenetic location: 8q12.2.
Variant type: single nucleotide variant.
Coding change: c.7184C>G on transcript NM_017780.4 (MANE Select); coding-DNA position 7184, C replaced by G.
Protein change: p.Ser2395Cys; replaces serine 2395 with cysteine.
Molecular consequence: missense variant. On other transcripts: intron variant (1).
Genome position (GRCh38, 1-based): chr8:60,856,464, C>G. VCF-style: chr8-60856464-C-G. GRCh37 (hg19) VCF-style: chr8-61769023-C-G.
Other names: c.1717-5765C>G (NM_001316690.1); short protein forms S2395C.
Identifiers: ClinVar variation 1716048 (VCV001716048.6), dbSNP rs2488072248, ClinGen allele CA371299796.

ClinVar aggregate classification (germline): Conflicting classifications of pathogenicity. Review status: criteria provided, conflicting classifications (1 of 4 stars). 2 submissions from 2 submitters: Uncertain significance (1); Likely benign (1). Last evaluated 2024-09-20.

Conditions:
CHARGE syndrome (CHARGE). Also called: Coloboma, heart anomaly, choanal atresia, retardation, genital and ear anomalies; CHARGE association; Hall-Hittner syndrome; Hittner Hirsch Kreh syndrome; CHARGE ASSOCIATION--COLOBOMA, HEART ANOMALY, CHOANAL ATRESIA, RETARDATION, GENITAL AND EAR ANOMALIES. Identifiers: Orphanet 138, MedGen C0265354, MONDO:0008965.
Hypogonadotropic hypogonadism 5 with or without anosmia (KAL5). Also called: HYPOGONADOTROPIC HYPOGONADISM 5 WITH ANOSMIA; HYPOGONADOTROPHIC HYPOGONADISM 5 WITHOUT ANOSMIA; CHD7-Related GnRH Deficiency (Kallmann Syndrome 5). Identifiers: Orphanet 478, MedGen C3552553, MONDO:0012880, OMIM 612370. Disease mechanism: loss of function.

Submissions (2):

3billion
Classification: Likely benign for CHD7-related CHARGE syndrome; Hypogonadotropic hypogonadism 5 with or without anosmia. Last evaluated: 2024-09-20. Review status: criteria provided, single submitter. Criteria: ACMG Guidelines, 2015. Collection method: clinical testing. Allele origin: germline. Affected: no.
Comment: The variant was identified in at least one patient who was diagnosed with a different variant in another gene and showed no symptoms related to the gene containing the variant in question.

Labcorp Genetics (formerly Invitae), Labcorp
Classification: Uncertain significance for CHARGE syndrome. Last evaluated: 2022-11-22. Review status: criteria provided, single submitter. Criteria: Invitae Variant Classification Sherloc (09022015). Collection method: clinical testing. Allele origin: germline.
Comment: Advanced modeling of protein sequence and biophysical properties (such as structural, functional, and spatial information, amino acid conservation, physicochemical variation, residue mobility, and thermodynamic stability) performed at Invitae indicates that this missense variant is not expected to disrupt CHD7 protein function. In summary, the available evidence is currently insufficient to determine the role of this variant in disease. Therefore, it has been classified as a Variant of Uncertain Significance. This variant has not been reported in the literature in individuals affected with CHD7-related conditions. This variant is not present in population databases (gnomAD no frequency). This sequence change replaces serine, which is neutral and polar, with cysteine, which is neutral and slightly polar, at codon 2395 of the CHD7 protein (p.Ser2395Cys).